The following is an entry in ClinVar:

NM_001035.3(RYR2):c.11241C>G (p.Ser3747Arg)

Gene: RYR2 (ryanodine receptor 2; plus strand). Cytogenetic location: 1q43.
Variant type: single nucleotide variant.
Coding change: c.11241C>G on transcript NM_001035.3 (MANE Select); coding-DNA position 11241, C replaced by G.
Protein change: p.Ser3747Arg; replaces serine 3747 with arginine.
Molecular consequence: missense variant.
Genome position (GRCh38, 1-based): chr1:237,756,383, C>G. VCF-style: chr1-237756383-C-G. GRCh37 (hg19) VCF-style: chr1-237919683-C-G.
Other names: short protein forms S3747R.
Identifiers: ClinVar variation 1004895 (VCV001004895.10), dbSNP rs1692954847, ClinGen allele CA345425953.
Genomic context (GRCh38, chr1:237,756,383, plus strand): 5'-GCAAGCCCGACTCCACGATCGTGGCGCGGCTGAGATGGTGCTACAGACAATCAGTGCCAG[C>G]AAAGGTAAGGTTCCTTGAGTTCCCCTCACGAGTGTCTGTTCTTCAGATTTCCTCGTTGCT-3'
Protein context (NP_001026.2, residues 3737-3757): AEMVLQTISA[Ser3747Arg]KGETGPMVAA

ClinVar aggregate classification (germline): Uncertain significance (1 of 4 stars; one submission).

Conditions:
Catecholaminergic polymorphic ventricular tachycardia 1. Also called: RYR2-Related Catecholaminergic Polymorphic Ventricular Tachycardia; VENTRICULAR TACHYCARDIA, CATECHOLAMINERGIC POLYMORPHIC, 1, WITH OR WITHOUT ATRIAL DYSFUNCTION AND/OR DILATED CARDIOMYOPATHY; VENTRICULAR TACHYCARDIA, STRESS-INDUCED POLYMORPHIC 1. Identifiers: Orphanet 3286, MedGen C1631597, MONDO:0011484, OMIM 604772.

Submission:

Labcorp Genetics (formerly Invitae), Labcorp
Classification: Uncertain significance for Catecholaminergic polymorphic ventricular tachycardia 1. Last evaluated: 2024-10-18. Review status: criteria provided, single submitter. Criteria: Invitae Variant Classification Sherloc (09022015). Collection method: clinical testing. Allele origin: germline.
Comment: This sequence change replaces serine, which is neutral and polar, with arginine, which is basic and polar, at codon 3747 of the RYR2 protein (p.Ser3747Arg). This variant is not present in population databases (gnomAD no frequency). This variant has not been reported in the literature in individuals affected with RYR2-related conditions. ClinVar contains an entry for this variant (Variation ID: 1004895). Invitae Evidence Modeling of protein sequence and biophysical properties (such as structural, functional, and spatial information, amino acid conservation, physicochemical variation, residue mobility, and thermodynamic stability) has been performed for this missense variant. However, the output from this modeling did not meet the statistical confidence thresholds required to predict the impact of this variant on RYR2 protein function. In summary, the available evidence is currently insufficient to determine the role of this variant in disease. Therefore, it has been classified as a Variant of Uncertain Significance.